The following is an entry in ClinVar:

ClinVar aggregate classification (germline): Uncertain significance. Review status: criteria provided, multiple submitters, no conflicts (2 of 4 stars). 2 submissions from 2 submitters: Uncertain significance (2). Last evaluated 2026-08-06.

Conditions:
Neurodevelopmental disorder with language delay and seizures (NEDLDS). Identifiers: MedGen C5676998, MONDO:0859256, OMIM 619908.

Allele frequency attached by ClinVar (database versions not stated): ExAC 0.00011; 1000 Genomes Project 30x 0.00016; 1000 Genomes Project 0.00020; TOPMed 0.00035; ESP Exome Variant Server 0.00062.
gnomAD v4.1: 106 of 1,614,236 alleles (0.0066%); highest among the groups gnomAD compares: African/African-American, 0.12%; no homozygotes.

Submissions (2):

OLLIN Analises Genomicas, OLLIN
Classification: Uncertain significance for Neurodevelopmental disorder with language delay and seizures. Last evaluated: 2026-08-06. Review status: criteria provided, single submitter. Criteria: ACMG Guidelines 2015 PMID 25741868. Collection method: clinical testing. Allele origin: germline.
Comment: This missense variant, located in exon 7 (of 28), has been reported in ClinVar (accession VCV002355497.2) and in gnomAD with an allele frequency of 0.0066%. However, to our knowledge, it has not been reported in the scientific literature. In silico analysis predicts that this variant has a tolerated effect. According to the currently available evidence, this variant has been classified as uncertain significance (PM2_P, BP4_M).

Ambry Genetics
Classification: Uncertain significance. Last evaluated: 2021-08-09. Review status: criteria provided, single submitter. Criteria: Ambry Variant Classification Scheme 2023. Collection method: clinical testing. Allele origin: germline.

NM_001353694.2(TIAM1):c.1718A>G (p.Lys573Arg)

Gene: TIAM1 (TIAM Rac1 associated GEF 1; minus strand). Cytogenetic location: 21q22.11.
Variant type: single nucleotide variant.
Coding change: c.1718A>G on transcript NM_001353694.2 (MANE Select); coding-DNA position 1718, A replaced by G.
Protein change: p.Lys573Arg; replaces lysine 573 with arginine.
Molecular consequence: missense variant.
Genome position (GRCh38, 1-based): chr21:31,225,817, T>C on the plus strand (A>G on the coding strand, the complement: TIAM1 is on the minus strand). VCF-style: chr21-31225817-T-C. GRCh37 (hg19) VCF-style: chr21-32598133-T-C.
Other names: c.1718A>G, p.Lys573Arg (NM_001353687.2, NM_001353688.1, NM_001353689.1 and 6 more transcripts); short protein forms K573R.
Identifiers: ClinVar variation 2355497 (VCV002355497.3), dbSNP rs148731574, ClinGen allele CA9998370.